The following is an entry in ClinVar:

ClinVar aggregate classification (germline): Conflicting classifications of pathogenicity. Review status: criteria provided, conflicting classifications (1 of 4 stars). 2 submissions from 2 submitters: Uncertain significance (1); Likely benign (1). Last evaluated 2025-03-14.

gnomAD v4.1: 18 of 1,614,102 alleles (0.0011%); highest among the groups gnomAD compares: East Asian, 0.0067%; no homozygotes.

Submissions (2):

Labcorp Genetics (formerly Invitae), Labcorp
Classification: Likely benign. Last evaluated: 2025-03-14. Review status: criteria provided, single submitter. Criteria: Invitae Variant Classification Sherloc (09022015). Collection method: clinical testing. Allele origin: germline.

GeneDx
Classification: Uncertain significance. Last evaluated: 2024-12-18. Review status: criteria provided, single submitter. Criteria: GeneDx Variant Classification Process June 2021. Collection method: clinical testing. Allele origin: germline. Affected: yes.
Comment: In silico analysis supports that this missense variant has a deleterious effect on protein structure/function; Has not been previously published as pathogenic or benign in association with TECTA-related hearing loss to our knowledge; This variant is associated with the following publications: (PMID: 21520338, 31554319, 9590290, 33057194, 35982159, 28135719, 31785789)

NM_005422.4(TECTA):c.1109G>A (p.Arg370His)

Genes: TBCEL-TECTA (TBCEL-TECTA readthrough; plus strand), TECTA (tectorin alpha; plus strand). Cytogenetic location: 11q23.3.
Variant type: single nucleotide variant.
Coding change: c.1109G>A on transcript NM_005422.4 (MANE Select); coding-DNA position 1109, G replaced by A.
Protein change: p.Arg370His; replaces arginine 370 with histidine.
Molecular consequence: missense variant.
Genome position (GRCh38, 1-based): chr11:121,118,624, G>A. VCF-style: chr11-121118624-G-A. GRCh37 (hg19) VCF-style: chr11-120989333-G-A.
Other names: c.2066G>A, p.Arg689His (NM_001378761.1); short protein forms R370H, R689H.
Identifiers: ClinVar variation 3906470 (VCV003906470.2).